The following is an entry in ClinVar:

ClinVar aggregate classification (germline): Benign (1 of 4 stars; one submission).

Conditions:
Sulfite oxidase deficiency due to molybdenum cofactor deficiency type B1 (MOCODB1). Also called: Molybdenum cofactor deficiency B; Molybdenum cofactor deficiency, complementation group B; Sulfite oxidase deficiency due to molybdenum cofactor deficiency type B; MOLYBDENUM COFACTOR DEFICIENCY, TYPE B1. Identifiers: Orphanet 308393, Orphanet 833, MedGen C6065887, MONDO:0009644, OMIM 252160.

Allele frequency attached by ClinVar (database versions not stated): gnomAD exomes 0.00131; 1000 Genomes Project 30x 0.00687; 1000 Genomes Project 0.00719; gnomAD 0.00778 and 0.00849; TOPMed 0.00864.

Submission:

Illumina Laboratory Services, Illumina
Classification: Benign for Sulfite oxidase deficiency due to molybdenum cofactor deficiency type B1. Last evaluated: 2018-01-12. Review status: criteria provided, single submitter. Criteria: ICSL Variant Classification Criteria 13 December 2019. Collection method: clinical testing. Allele origin: germline.
Comment: This variant was observed in the ICSL laboratory as part of a predisposition screen in an ostensibly healthy population. It had not been previously curated by ICSL or reported in the Human Gene Mutation Database (HGMD: prior to June 1st, 2018), and was therefore a candidate for classification through an automated scoring system. Utilizing variant allele frequency, disease prevalence and penetrance estimates, and inheritance mode, an automated score was calculated to assess if this variant is too frequent to cause the disease. Based on the score and internal cut-off values, a variant classified as benign is not then subjected to further curation. The score for this variant resulted in a classification of benign for this disease.

NM_004531.5(MOCS2):c.*321A>G

Gene: MOCS2 (molybdenum cofactor synthesis 2; minus strand). Cytogenetic location: 5q11.2.
Variant type: single nucleotide variant.
Coding change: c.*321A>G on transcript NM_004531.5 (MANE Select); 321 bases downstream of the stop codon, A replaced by G.
Molecular consequence: 3 prime UTR variant.
Genome position (GRCh38, 1-based): chr5:53,098,281, T>C on the plus strand (A>G on the coding strand, the complement: MOCS2 is on the minus strand). VCF-style: chr5-53098281-T-C. GRCh37 (hg19) VCF-style: chr5-52394111-T-C.
Other names: c.*808A>G (NM_176806.4).
Identifiers: ClinVar variation 353872 (VCV000353872.6), dbSNP rs73756618, ClinGen allele CA10624746.